The following is an entry in ClinVar:

ClinVar aggregate classification (germline): Benign. Review status: criteria provided, multiple submitters, no conflicts (2 of 4 stars). 3 submissions from 3 submitters: Benign (3). Last evaluated 2017-09-20.

Allele frequency attached by ClinVar (database versions not stated): ESP Exome Variant Server 0.00154; gnomAD exomes 0.00424; TOPMed 0.01005; gnomAD 0.01042 and 0.01048; 1000 Genomes Project 0.01218; ExAC 0.01361; 1000 Genomes Project 30x 0.01405.
gnomAD v4.1: 7,788 of 1,612,240 alleles (0.48%); highest among the groups gnomAD compares: Admixed American, 12%; 508 homozygotes.

Submissions (11):

GeneDx
Classification: Benign. Last evaluated: 2017-09-20. Review status: criteria provided, single submitter. Criteria: GeneDx Variant Classification (06012015). Collection method: clinical testing. Allele origin: germline. Affected: yes.
Comment: This variant is considered likely benign or benign based on one or more of the following criteria: it is a conservative change, it occurs at a poorly conserved position in the protein, it is predicted to be benign by multiple in silico algorithms, and/or has population frequency not consistent with disease.

Genomic Diagnostic Laboratory, Division of Genomic Diagnostics, Children's Hospital of Philadelphia
Classification: Benign. Last evaluated: 2015-05-05. Review status: criteria provided, single submitter. Criteria: DGD Variant Analysis Guidelines. Collection method: clinical testing. Allele origin: unknown.

Breakthrough Genomics
Classification: Benign. Review status: criteria provided, single submitter. Criteria: ACMG Guidelines, 2015. Collection method: not provided. Allele origin: germline. Inheritance: Unknown mechanism. Affected: yes.

Dr. Peter K. Rogan Lab, Western University
No classification provided (evidence only). Condition: Familial cancer of breast. Review status: no classification provided. Collection method: in vitro. Allele origin: not applicable. Functional consequence: retained intron. Not counted in ClinVar's aggregate classification.

Dr. Peter K. Rogan Lab, Western University
No classification provided (evidence only). Condition: Cervical cancer. Review status: no classification provided. Collection method: in vitro. Allele origin: not applicable. Functional consequence: retained intron. Not counted in ClinVar's aggregate classification.

Dr. Peter K. Rogan Lab, Western University
No classification provided (evidence only). Condition: Cervical cancer. Review status: no classification provided. Collection method: in vitro. Allele origin: not applicable. Functional consequence: retained intron. Not counted in ClinVar's aggregate classification.

Dr. Peter K. Rogan Lab, Western University
No classification provided (evidence only). Condition: Cervical cancer. Review status: no classification provided. Collection method: in vitro. Allele origin: not applicable. Functional consequence: retained intron. Not counted in ClinVar's aggregate classification.

Dr. Peter K. Rogan Lab, Western University
No classification provided (evidence only). Condition: Cervical cancer. Review status: no classification provided. Collection method: in vitro. Allele origin: not applicable. Functional consequence: retained intron. Not counted in ClinVar's aggregate classification.

Dr. Peter K. Rogan Lab, Western University
No classification provided (evidence only). Condition: Sarcoma. Review status: no classification provided. Collection method: in vitro. Allele origin: not applicable. Functional consequence: retained intron. Not counted in ClinVar's aggregate classification.

Dr. Peter K. Rogan Lab, Western University
No classification provided (evidence only). Condition: Cholangiocarcinoma. Review status: no classification provided. Collection method: in vitro. Allele origin: not applicable. Functional consequence: retained intron. Not counted in ClinVar's aggregate classification.

Dr. Peter K. Rogan Lab, Western University
No classification provided (evidence only). Condition: Gastric cancer. Review status: no classification provided. Collection method: in vitro. Allele origin: not applicable. Functional consequence: retained intron. Not counted in ClinVar's aggregate classification.

NM_001080779.2(MYO1C):c.1483-6C>G

Gene: MYO1C (myosin IC; minus strand). Cytogenetic location: 17p13.3.
Variant type: single nucleotide variant.
Coding change: c.1483-6C>G on transcript NM_001080779.2 (MANE Select); 6 bases into the intron before coding-DNA position 1483, C replaced by G.
Molecular consequence: intron variant.
Genome position (GRCh38, 1-based): chr17:1,477,602, G>C on the plus strand (C>G on the coding strand, the complement: MYO1C is on the minus strand). VCF-style: chr17-1477602-G-C. GRCh37 (hg19) VCF-style: chr17-1380896-G-C.
Other names: NC_000017.10:g.1380896G>C; c.1378-6C>G (NM_033375.5); c.1426-6C>G (NM_001080950.2); c.1411-6C>G (NM_001363855.1).
Identifiers: ClinVar variation 218504 (VCV000218504.3), dbSNP rs193155058, ClinGen allele CA249052.